The following is an entry in ClinVar:

NM_024649.5(BBS1):c.871C>T (p.Gln291Ter)

Genes: ZDHHC24 (zDHHC palmitoyltransferase 24; minus strand), BBS1 (Bardet-Biedl syndrome 1; plus strand). Cytogenetic location: 11q13.2.
Variant type: single nucleotide variant.
Coding change: c.871C>T on transcript NM_024649.5 (MANE Select); coding-DNA position 871, C replaced by T.
Protein change: p.Gln291Ter; replaces glutamine 291 with a stop codon.
Molecular consequence: nonsense. On other transcripts: intron variant (1).
Genome position (GRCh38, 1-based): chr11:66,523,496, C>T. VCF-style: chr11-66523496-C-T. GRCh37 (hg19) VCF-style: chr11-66290967-C-T.
Other names: c.*22-2030G>A (NM_001348571.2); short protein forms Q291*.
Identifiers: ClinVar variation 371274 (VCV000371274.19), dbSNP rs1057517143, ClinGen allele CA16041527.

ClinVar aggregate classification (germline): Pathogenic. Review status: criteria provided, multiple submitters, no conflicts (2 of 4 stars). 6 submissions from 6 submitters: Pathogenic (4). 2 of the submissions do not count toward it. Last evaluated 2025-09-15.

Conditions:
Bardet-Biedl syndrome (BBS). Identifiers: Orphanet 110, MedGen C0752166, MONDO:0015229.
BBS1-related disorder. Also called: BBS1-related condition.
Bardet-Biedl syndrome 1 (BBS1). Identifiers: MedGen C2936862, MONDO:0008854, OMIM 209900. Disease mechanism: loss of function.

Allele frequency attached by ClinVar (database versions not stated): gnomAD exomes 0.00001.
gnomAD v4.1: 16 of 1,614,152 alleles (0.00099%); highest among the groups gnomAD compares: Admixed American, 0.0017%; no homozygotes.

Submissions (6):

Natera, Inc.
Classification: Pathogenic for Bardet-Biedl syndrome type 1. Last evaluated: 2025-09-15. Review status: criteria provided, single submitter. Criteria: Natera Variant Classification Schema (03/2026). Collection method: clinical testing. Allele origin: germline.
Comment: The c.871C>T variant in BBS1 is a nonsense variant predicted to introduce a stop codon at amino acid 291. This variant is expected to result in nonsense mediated decay, truncation, or a dysfunctional protein product. This variant is rare in the general population with a frequency below the threshold expected for the associated phenotype(s). This variant has been observed in one or more individuals affected with the associated recessive disease, as either homozygous or compound heterozygous with a second variant (PMID: 21157496). Given the available evidence, this variant is classified as Pathogenic.

Clinical Genomics Laboratory, Washington University in St. Louis
Classification: Pathogenic for Bardet-Biedl syndrome 1. Last evaluated: 2025-05-26. Review status: criteria provided, single submitter. Criteria: ACMG Guidelines, 2015. Collection method: clinical testing. Allele origin: germline. Affected: yes.
Comment: The BBS1 c.871C>T (p.Gln291*) variant has been reported in one individual affected with Bardet-Biedl syndrome 1 who was compound heterozygous for this variant and a pathogenic variant confirmed in trans (Beales PL et al., PMID: 12677556). This variant has been reported in the ClinVar database as a germline pathogenic variant by five submitters. It is observed in only 16/1,614,152 alleles in the general population (gnomAD v.4.1.1), indicating that it is not a common variant. This variant leads to a premature termination codon, which is predicted to result in nonsense-mediated decay. Based on available information and the ACMG/AMP guidelines for variant interpretation (Richards S et al., PMID: 25741868), this variant is classified as pathogenic.

Labcorp Genetics (formerly Invitae), Labcorp
Classification: Pathogenic for Bardet-Biedl syndrome. Last evaluated: 2024-02-07. Review status: criteria provided, single submitter. Criteria: Invitae Variant Classification Sherloc (09022015). Collection method: clinical testing. Allele origin: germline.
Comment: This sequence change creates a premature translational stop signal (p.Gln291*) in the BBS1 gene. It is expected to result in an absent or disrupted protein product. Loss-of-function variants in BBS1 are known to be pathogenic (PMID: 12118255, 21520335, 27032803). This variant is not present in population databases (gnomAD no frequency). This premature translational stop signal has been observed in individual(s) with Bardet-Biedl syndrome (BBS) (PMID: 12677556, 25170860). ClinVar contains an entry for this variant (Variation ID: 371274). Algorithms developed to predict the effect of sequence changes on RNA splicing suggest that this variant may disrupt the consensus splice site. For these reasons, this variant has been classified as Pathogenic.

Fulgent Genetics
Classification: Pathogenic for Bardet-Biedl syndrome 1. Last evaluated: 2021-12-28. Review status: criteria provided, single submitter. Criteria: ACMG Guidelines, 2015. Collection method: clinical testing. Allele origin: unknown.

PreventionGenetics, part of Exact Sciences
Classification: Pathogenic for BBS1-related condition. Last evaluated: 2024-05-15. Review status: no assertion criteria provided. Collection method: clinical testing. Allele origin: germline. Not counted in ClinVar's aggregate classification.
Comment: The BBS1 c.871C>T variant is predicted to result in premature protein termination (p.Gln291*). This variant has previously been reported to be causative for Bardet-Biedl Syndrome (Beales et al. 2003. PubMed ID: 12677556). This variant has not been reported in gnomAD, indicating this variant is rare. Nonsense variants in BBS1 are expected to be pathogenic. This variant is interpreted as pathogenic.

Counsyl
Classification: Pathogenic for Bardet-Biedl syndrome 1. Last evaluated: 2016-08-12. Review status: no assertion criteria provided. Collection method: clinical testing. Allele origin: unknown. Not counted in ClinVar's aggregate classification.

Literature cited by the submitters: PubMed 21157496 (cited by Natera, Inc.); PubMed 12118255 (cited by Labcorp Genetics (formerly Invitae), Labcorp); PubMed 21520335 (cited by Labcorp Genetics (formerly Invitae), Labcorp); PubMed 27032803 (cited by Labcorp Genetics (formerly Invitae), Labcorp); PubMed 12677556 (cited by Labcorp Genetics (formerly Invitae), Labcorp and Counsyl); PubMed 25170860 (cited by Labcorp Genetics (formerly Invitae), Labcorp and Counsyl).